The following is an entry in ClinVar:

NM_000821.7(GGCX):c.*225G>A

Gene: GGCX (gamma-glutamyl carboxylase; minus strand). Cytogenetic location: 2p11.2.
Variant type: single nucleotide variant.
Coding change: c.*225G>A on transcript NM_000821.7 (MANE Select); 225 bases downstream of the stop codon, G replaced by A.
Molecular consequence: 3 prime UTR variant.
Genome position (GRCh38, 1-based): chr2:85,549,709, C>T on the plus strand (G>A on the coding strand, the complement: GGCX is on the minus strand). VCF-style: chr2-85549709-C-T. GRCh37 (hg19) VCF-style: chr2-85776832-C-T.
Other names: c.*225G>A (NM_001142269.4).
Identifiers: ClinVar variation 337250 (VCV000337250.8), dbSNP rs72843839, ClinGen allele CA10616173.

ClinVar aggregate classification (germline): Benign. Review status: criteria provided, multiple submitters, no conflicts (2 of 4 stars). 3 submissions from 3 submitters: Benign (3). Last evaluated 2018-07-09.

Conditions:
Vitamin K-dependent clotting factors, combined deficiency of, type 1. Also called: FACTORS II, VII, IX, AND X, COMBINED DEFICIENCY OF; FAMILIAL MULTIPLE COAGULATION FACTOR DEFICIENCY III; FMFD III; GLUTAMIC ACID, DEFICIENT GAMMA-CARBOXYLATION OF; MULTIPLE COAGULATION FACTOR DEFICIENCY III; VITAMIN K-DEPENDENT COAGULATION DEFECT. Identifiers: Orphanet 98434, MedGen C1848534, MONDO:0010187, OMIM 277450.

Allele frequency attached by ClinVar (database versions not stated): gnomAD exomes 0.03578; 1000 Genomes Project 0.04812; 1000 Genomes Project 30x 0.04872; gnomAD 0.06084; TOPMed 0.06130.
gnomAD v4.1: 22,887 of 541,046 alleles (4.2%); highest among the groups gnomAD compares: African/African-American, 11%; 664 homozygotes.

Submissions (3):

GeneDx
Classification: Benign. Last evaluated: 2018-07-09. Review status: criteria provided, single submitter. Criteria: GeneDx Variant Classification Process June 2021. Collection method: clinical testing. Allele origin: germline. Affected: yes.

Illumina Laboratory Services, Illumina
Classification: Benign for Vitamin K-dependent clotting factors, combined deficiency of, type 1. Last evaluated: 2018-01-12. Review status: criteria provided, single submitter. Criteria: ICSL Variant Classification Criteria 13 December 2019. Collection method: clinical testing. Allele origin: germline.
Comment: This variant was observed in the ICSL laboratory as part of a predisposition screen in an ostensibly healthy population. It had not been previously curated by ICSL or reported in the Human Gene Mutation Database (HGMD: prior to June 1st, 2018), and was therefore a candidate for classification through an automated scoring system. Utilizing variant allele frequency, disease prevalence and penetrance estimates, and inheritance mode, an automated score was calculated to assess if this variant is too frequent to cause the disease. Based on the score and internal cut-off values, a variant classified as benign is not then subjected to further curation. The score for this variant resulted in a classification of benign for this disease.

Breakthrough Genomics
Classification: Benign. Review status: criteria provided, single submitter. Criteria: ACMG Guidelines, 2015. Collection method: not provided. Allele origin: germline. Inheritance: Autosomal recessive inheritance. Affected: yes.